The following is an entry in ClinVar:

NM_000059.4(BRCA2):c.5486T>A (p.Leu1829Ter)

Gene: BRCA2 (BRCA2 DNA repair associated; plus strand). Cytogenetic location: 13q13.1.
Variant type: single nucleotide variant.
Coding change: c.5486T>A on transcript NM_000059.4 (MANE Select); coding-DNA position 5486, T replaced by A.
Protein change: p.Leu1829Ter; replaces leucine 1829 with a stop codon.
Molecular consequence: nonsense.
Genome position (GRCh38, 1-based): chr13:32,339,841, T>A. VCF-style: chr13-32339841-T-A. GRCh37 (hg19) VCF-style: chr13-32913978-T-A.
Other names: c.5486T>A, p.Leu1829Ter (NM_001406719.1, NM_001406720.1); short protein forms L1829*.
Identifiers: ClinVar variation 2071927 (VCV002071927.4), dbSNP rs2072530512, ClinGen allele CA387785743.
Genomic context (GRCh38, chr13:32,339,841, plus strand): 5'-GCGTTGAGGAACTTGTGACTAGCTCTTCACCCTGCAAAAATAAAAATGCAGCCATTAAAT[T>A]GTCCATATCTAATAGTAATAATTTTGAGGTAGGGCCACCTGCATTTAGGATAGCCAGTGG-3'

ClinVar aggregate classification (germline): Pathogenic (1 of 4 stars; one submission).

Conditions:
Hereditary breast ovarian cancer syndrome. Also called: BRCA1- and BRCA2-Associated Hereditary Breast and Ovarian Cancer; Hereditary breast and/or ovarian cancer syndrome; Hereditary breast and ovarian cancer syndrome; Hereditary breast and ovarian cancer syndrome (HBOC); Breast and ovarian cancer; Hereditary breast and ovarian cancer. Identifiers: Orphanet 145, MedGen C0677776, MeSH D061325, MONDO:0003582. Disease mechanism: loss of function.

Submission:

Labcorp Genetics (formerly Invitae), Labcorp
Classification: Pathogenic for Hereditary breast ovarian cancer syndrome. Last evaluated: 2022-03-26. Review status: criteria provided, single submitter. Criteria: Invitae Variant Classification Sherloc (09022015). Collection method: clinical testing. Allele origin: germline.
Comment: For these reasons, this variant has been classified as Pathogenic. This variant has not been reported in the literature in individuals affected with BRCA2-related conditions. This variant is not present in population databases (gnomAD no frequency). This sequence change creates a premature translational stop signal (p.Leu1829*) in the BRCA2 gene. It is expected to result in an absent or disrupted protein product. Loss-of-function variants in BRCA2 are known to be pathogenic (PMID: 20104584).

Literature cited by the submitters: PubMed 20104584.